The following is an entry in ClinVar:

NM_001369.3(DNAH5):c.12878G>A (p.Ser4293Asn)

Gene: DNAH5 (dynein axonemal heavy chain 5; minus strand). Cytogenetic location: 5p15.2.
Variant type: single nucleotide variant.
Coding change: c.12878G>A on transcript NM_001369.3 (MANE Select); coding-DNA position 12878, G replaced by A.
Protein change: p.Ser4293Asn; replaces serine 4293 with asparagine.
Molecular consequence: missense variant.
Genome position (GRCh38, 1-based): chr5:13,716,518, C>T on the plus strand (G>A on the coding strand, the complement: DNAH5 is on the minus strand). VCF-style: chr5-13716518-C-T. GRCh37 (hg19) VCF-style: chr5-13716627-C-T.
Other names: short protein forms S4293N.
Identifiers: ClinVar variation 407258 (VCV000407258.17), dbSNP rs140279971, ClinGen allele CA3201515.

ClinVar aggregate classification (germline): Likely benign. Review status: criteria provided, multiple submitters, no conflicts (2 of 4 stars). 4 submissions from 4 submitters: Likely benign (2). 2 of the submissions do not count toward it. Last evaluated 2025-06-22.

Conditions:
DNAH5-related disorder. Also called: DNAH5-related condition.
Primary ciliary dyskinesia. Also called: Ciliary dyskinesia. Identifiers: Orphanet 244, MedGen C0008780, MONDO:0016575, HP:0012265.

Allele frequency attached by ClinVar (database versions not stated): gnomAD exomes 0.00003 and 0.00011; 1000 Genomes Project 30x 0.00016; ExAC 0.00017; 1000 Genomes Project 0.00020; ESP Exome Variant Server 0.00046; gnomAD 0.00056 and 0.00058; TOPMed 0.00058.
gnomAD v4.1: 146 of 1,613,776 alleles (0.009%); highest among the groups gnomAD compares: African/African-American, 0.17%; 1 homozygote.

Submissions (4):

Labcorp Genetics (formerly Invitae), Labcorp
Classification: Likely benign for Primary ciliary dyskinesia. Last evaluated: 2025-06-22. Review status: criteria provided, single submitter. Criteria: Invitae Variant Classification Sherloc (09022015). Collection method: clinical testing. Allele origin: germline.

Ambry Genetics
Classification: Likely benign for Primary ciliary dyskinesia. Last evaluated: 2021-12-02. Review status: criteria provided, single submitter. Criteria: Ambry Variant Classification Scheme 2023. Collection method: clinical testing. Allele origin: germline.

PreventionGenetics, part of Exact Sciences
Classification: Likely benign for DNAH5-related condition. Last evaluated: 2022-04-06. Review status: no assertion criteria provided. Collection method: clinical testing. Allele origin: germline. Not counted in ClinVar's aggregate classification.
Comment: This variant is classified as likely benign based on ACMG/AMP sequence variant interpretation guidelines (Richards et al. 2015 PMID: 25741868, with internal and published modifications).

Natera, Inc.
Classification: Uncertain significance for Primary ciliary dyskinesia. Last evaluated: 2019-10-28. Review status: no assertion criteria provided. Collection method: clinical testing. Allele origin: germline. Not counted in ClinVar's aggregate classification.